The following is an entry in ClinVar:

ClinVar aggregate classification (germline): Uncertain significance (1 of 4 stars; one submission).

Allele frequency attached by ClinVar (database versions not stated): gnomAD exomes below 0.00001; TOPMed 0.00001.
gnomAD v4.1: 5 of 1,590,024 alleles (0.00031%); highest among the groups gnomAD compares: Non-Finnish European, 0.00043%; no homozygotes.

Submission:

Labcorp Genetics (formerly Invitae), Labcorp
Classification: Uncertain significance. Last evaluated: 2021-06-16. Review status: criteria provided, single submitter. Criteria: Invitae Variant Classification Sherloc (09022015). Collection method: clinical testing. Allele origin: germline.
Comment: This sequence change replaces serine with leucine at codon 472 of the CASZ1 protein (p.Ser472Leu). The serine residue is highly conserved and there is a large physicochemical difference between serine and leucine. In summary, the available evidence is currently insufficient to determine the role of this variant in disease. Therefore, it has been classified as a Variant of Uncertain Significance. Algorithms developed to predict the effect of missense changes on protein structure and function (SIFT, PolyPhen-2, Align-GVGD) all suggest that this variant is likely to be disruptive, but these predictions have not been confirmed by published functional studies and their clinical significance is uncertain. This variant has not been reported in the literature in individuals with CASZ1-related conditions. This variant is not present in population databases (ExAC no frequency).

NM_001079843.3(CASZ1):c.1415C>T (p.Ser472Leu)

Gene: CASZ1 (castor zinc finger 1; minus strand). Cytogenetic location: 1p36.22.
Variant type: single nucleotide variant.
Coding change: c.1415C>T on transcript NM_001079843.3 (MANE Select); coding-DNA position 1415, C replaced by T.
Protein change: p.Ser472Leu; replaces serine 472 with leucine.
Molecular consequence: missense variant.
Genome position (GRCh38, 1-based): chr1:10,656,731, G>A on the plus strand (C>T on the coding strand, the complement: CASZ1 is on the minus strand). VCF-style: chr1-10656731-G-A. GRCh37 (hg19) VCF-style: chr1-10716788-G-A.
Other names: c.1415C>T, p.Ser472Leu (NM_017766.5); short protein forms S472L.
Identifiers: ClinVar variation 1472568 (VCV001472568.8), dbSNP rs1183427617, ClinGen allele CA338371082.